The following is an entry in ClinVar:

ClinVar aggregate classification (germline): Uncertain significance (1 of 4 stars; one submission).

Conditions:
Cardiovascular phenotype. Identifiers: MedGen CN230736.

Allele frequency attached by ClinVar (database versions not stated): gnomAD exomes below 0.00001.

Submission:

Ambry Genetics
Classification: Uncertain significance for Cardiovascular phenotype. Last evaluated: 2023-01-19. Review status: criteria provided, single submitter. Criteria: Ambry Variant Classification Scheme 2023. Collection method: clinical testing. Allele origin: germline.
Comment: The p.P231L variant (also known as c.692C>T), located in coding exon 4 of the EPHB4 gene, results from a C to T substitution at nucleotide position 692. The proline at codon 231 is replaced by leucine, an amino acid with similar properties. This amino acid position is conserved. In addition, this alteration is predicted to be tolerated by in silico analysis. Since supporting evidence is limited at this time, the clinical significance of this alteration remains unclear.

NM_004444.5(EPHB4):c.692C>T (p.Pro231Leu)

Gene: EPHB4 (EPH receptor B4; minus strand). Cytogenetic location: 7q22.1.
Variant type: single nucleotide variant.
Coding change: c.692C>T on transcript NM_004444.5 (MANE Select); coding-DNA position 692, C replaced by T.
Protein change: p.Pro231Leu; replaces proline 231 with leucine.
Molecular consequence: missense variant.
Genome position (GRCh38, 1-based): chr7:100,822,387, G>A on the plus strand (C>T on the coding strand, the complement: EPHB4 is on the minus strand). VCF-style: chr7-100822387-G-A. GRCh37 (hg19) VCF-style: chr7-100420009-G-A.
Other names: short protein forms P231L.
Identifiers: ClinVar variation 2450410 (VCV002450410.2), dbSNP rs2485045063, ClinGen allele CA368580369.
Genomic context (GRCh38, chr7:100,822,387, plus strand): 5'-GTGACCGGCTGTTCGGCCCACTGGCCATCCTCACGGCAGTAGAGGCTGGGGCTGGGGCCA[G>A]GGGCGGGGACGGCATCCACCACGCAGCTACCGGCCACGGGCACAACCAGCTCCCGAGGCA-3'
Protein context (NP_004435.3, residues 221-241): GSCVVDAVPA[Pro231Leu]GPSPSLYCRE